The following is an entry in ClinVar:

ClinVar aggregate classification (germline): Uncertain significance. Review status: criteria provided, multiple submitters, no conflicts (2 of 4 stars). 5 submissions from 5 submitters: Uncertain significance (5). Last evaluated 2025-05-06.

Conditions:
WNK1-related disorder. Also called: WNK1-related condition.
Neuropathy, hereditary sensory and autonomic, type 2A (HSAN2A). Also called: HSAN IIA; ACROOSTEOLYSIS, GIACCAI TYPE; ACROOSTEOLYSIS, NEUROGENIC; MORVAN DISEASE; NEUROPATHY, CONGENITAL SENSORY; NEUROPATHY, HEREDITARY SENSORY RADICULAR, AUTOSOMAL RECESSIVE. Identifiers: Orphanet 970, MedGen C2752089, MONDO:0024309, OMIM 201300.
Pseudohypoaldosteronism type 2C (PHA2C). Also called: Pseudohypoaldosteronism Type IIC. Identifiers: Orphanet 757, Orphanet 88940, MedGen C1840391, MONDO:0013778, OMIM 614492.

Allele frequency attached by ClinVar (database versions not stated): ExAC 0.00002; gnomAD exomes 0.00002 and 0.00011; gnomAD 0.00003 and 0.00005; TOPMed 0.00004; ESP Exome Variant Server 0.00008; 1000 Genomes Project 30x 0.00016; 1000 Genomes Project 0.00020.
gnomAD v4.1: 173 of 1,614,086 alleles (0.011%); highest among the groups gnomAD compares: Non-Finnish European, 0.014%; no homozygotes.

Submissions (5):

PreventionGenetics, part of Exact Sciences
Classification: Uncertain significance for WNK1-related condition. Last evaluated: 2025-05-06. Review status: criteria provided, single submitter. Criteria: ACMG Guidelines, 2015. Collection method: clinical testing. Allele origin: germline.
Comment: The WNK1 c.2684A>G variant is predicted to result in the amino acid substitution p.Gln895Arg. To our knowledge, this variant has not been reported in the literature. This variant is reported in 0.0062% of alleles in individuals of European (Non-Finnish) descent in gnomAD. At this time, the clinical significance of this variant is uncertain due to the absence of conclusive functional and genetic evidence.

Blueprint Genetics
Classification: Uncertain significance. Last evaluated: 2024-09-03. Review status: criteria provided, single submitter. Criteria: ACMG Guidelines, 2015. Collection method: clinical testing. Allele origin: germline.

Labcorp Genetics (formerly Invitae), Labcorp
Classification: Uncertain significance for Neuropathy, hereditary sensory and autonomic, type 2A; Pseudohypoaldosteronism type 2C. Last evaluated: 2024-01-02. Review status: criteria provided, single submitter. Criteria: Invitae Variant Classification Sherloc (09022015). Collection method: clinical testing. Allele origin: germline.
Comment: This sequence change replaces glutamine, which is neutral and polar, with arginine, which is basic and polar, at codon 895 of the WNK1 protein (p.Gln895Arg). This variant is present in population databases (rs200100184, gnomAD 0.007%). This variant has not been reported in the literature in individuals affected with WNK1-related conditions. ClinVar contains an entry for this variant (Variation ID: 471175). An algorithm developed to predict the effect of missense changes on protein structure and function (PolyPhen-2) suggests that this variant is likely to be disruptive. In summary, the available evidence is currently insufficient to determine the role of this variant in disease. Therefore, it has been classified as a Variant of Uncertain Significance.

Fulgent Genetics
Classification: Uncertain significance for Neuropathy, hereditary sensory and autonomic, type 2A; Pseudohypoaldosteronism type 2C. Last evaluated: 2022-04-22. Review status: criteria provided, single submitter. Criteria: ACMG Guidelines, 2015. Collection method: clinical testing. Allele origin: unknown.

Department of Pathology and Laboratory Medicine, Sinai Health System
Classification: Uncertain significance for Neuropathy, hereditary sensory and autonomic, type 2A; Pseudohypoaldosteronism type 2C. Last evaluated: 2022-01-17. Review status: criteria provided, single submitter. Criteria: ACMG Guidelines, 2015. Collection method: research. Allele origin: germline.

NM_018979.4(WNK1):c.2684A>G (p.Gln895Arg)

Gene: WNK1 (WNK lysine deficient protein kinase 1; plus strand). Cytogenetic location: 12p13.33.
Variant type: single nucleotide variant.
Coding change: c.2684A>G on transcript NM_018979.4 (MANE Select); coding-DNA position 2684, A replaced by G.
Protein change: p.Gln895Arg; replaces glutamine 895 with arginine.
Molecular consequence: missense variant. On other transcripts: intron variant (3).
Genome position (GRCh38, 1-based): chr12:879,883, A>G. VCF-style: chr12-879883-A-G. GRCh37 (hg19) VCF-style: chr12-989049-A-G.
Other names: c.3867+1522A>G (NM_213655.5); c.3613-838A>G (NM_001184985.2); c.2370+1522A>G (NM_014823.3); short protein forms Q895R.
Identifiers: ClinVar variation 471175 (VCV000471175.11), dbSNP rs200100184, ClinGen allele CA6382544.
Genomic context (GRCh38, chr12:879,883, plus strand): 5'-CGTTGGCTTCATCTGCTACAACAGCTGCGATCCCGGGGGTATCAACTGTGGTTCCTAGTC[A>G]GCTTCCAACCCTTCTGCAGCCTGTGACTCAGCTGCCAAGTCAGGTTCACCCACAGCTCCT-3'
Protein context (NP_061852.3, residues 885-905): IPGVSTVVPS[Gln895Arg]LPTLLQPVTQ